The following is an entry in ClinVar:

ClinVar aggregate classification (germline): Uncertain significance (1 of 4 stars; one submission).

Allele frequency attached by ClinVar (database versions not stated): gnomAD 0.00023; TOPMed 0.00023; ExAC 0.00037; ESP Exome Variant Server 0.00038.
gnomAD v4.1: 782 of 1,612,074 alleles (0.049%); highest among the groups gnomAD compares: South Asian, 0.062%; 3 homozygotes.

Submission:

Labcorp Genetics (formerly Invitae), Labcorp
Classification: Uncertain significance. Last evaluated: 2023-10-24. Review status: criteria provided, single submitter. Criteria: Invitae Variant Classification Sherloc (09022015). Collection method: clinical testing. Allele origin: germline.
Comment: This sequence change replaces threonine, which is neutral and polar, with methionine, which is neutral and non-polar, at codon 544 of the PTPRO protein (p.Thr544Met). This variant is present in population databases (rs137966245, gnomAD 0.07%). This missense change has been observed in individual(s) with nephrotic syndrome (PMID: 28780565). An algorithm developed to predict the effect of missense changes on protein structure and function (PolyPhen-2) suggests that this variant is likely to be disruptive. In summary, the available evidence is currently insufficient to determine the role of this variant in disease. Therefore, it has been classified as a Variant of Uncertain Significance.

Literature cited by the submitters: PubMed 28780565.

NM_030667.3(PTPRO):c.1631C>T (p.Thr544Met)

Gene: PTPRO (protein tyrosine phosphatase receptor type O; plus strand). Cytogenetic location: 12p12.3.
Variant type: single nucleotide variant.
Coding change: c.1631C>T on transcript NM_030667.3 (MANE Select); coding-DNA position 1631, C replaced by T.
Protein change: p.Thr544Met; replaces threonine 544 with methionine.
Molecular consequence: missense variant.
Genome position (GRCh38, 1-based): chr12:15,516,808, C>T. VCF-style: chr12-15516808-C-T. GRCh37 (hg19) VCF-style: chr12-15669742-C-T.
Other names: c.1631C>T, p.Thr544Met (NM_002848.4); short protein forms T544M.
Identifiers: ClinVar variation 2716604 (VCV002716604.2), dbSNP rs137966245, ClinGen allele CA6466574.